The following is an entry in ClinVar:

GRCh38/hg38 16p13.3(chr16:129081-168972)x3

Genes: HBA-LCR (alpha-globin locus control region; plus strand), HBM (hemoglobin subunit mu; plus strand), HBZ (hemoglobin subunit zeta; plus strand), NPRL3 (NPR3 like, GATOR1 complex subunit; minus strand). Cytogenetic location: 16p13.3.
Variant type: copy number gain.
Change: copy number 3 (three copies instead of two) of chr16:129,081-168,972 (39.9 kb, GRCh38 coordinates, 1-based), cytogenetic band 16p13.3.
Identifiers: ClinVar variation 59730 (VCV000059730.1).

ClinVar aggregate classification (germline): Benign (1 of 4 stars; one submission).

Submission:

ISCA site 4
Classification: Benign. Last evaluated: 2011-08-12. Review status: criteria provided, single submitter. Criteria: Kaminsky et al. (Genet Med. 2011). Collection method: clinical testing. Allele origin: unknown. Affected: yes. Observed: 1 variant allele.
Comment: Copy number variation identified through the course of routine clinical cytogenomic testing in postnatal populations. Clinical assertions have been curated as described in Kaminsky et al. 2011.